The following is an entry in ClinVar:

ClinVar aggregate classification (germline): Uncertain significance (1 of 4 stars; one submission).

Conditions:
RASopathy. Also called: Noonan spectrum disorder; rasopathies. Identifiers: Orphanet 536391, MedGen C5555857, MONDO:0021060.

Submission:

Labcorp Genetics (formerly Invitae), Labcorp
Classification: Uncertain significance for RASopathy. Last evaluated: 2022-11-01. Review status: criteria provided, single submitter. Criteria: Invitae Variant Classification Sherloc (09022015). Collection method: clinical testing. Allele origin: germline.
Comment: This sequence change falls in intron 7 of the MAP2K1 gene. It does not directly change the encoded amino acid sequence of the MAP2K1 protein. It affects a nucleotide within the consensus splice site. This variant is not present in population databases (gnomAD no frequency). In summary, the available evidence is currently insufficient to determine the role of this variant in disease. Therefore, it has been classified as a Variant of Uncertain Significance. Variants that disrupt the consensus splice site are a relatively common cause of aberrant splicing (PMID: 17576681, 9536098). Algorithms developed to predict the effect of sequence changes on RNA splicing suggest that this variant is not likely to affect RNA splicing. ClinVar contains an entry for this variant (Variation ID: 1364097). This variant has not been reported in the literature in individuals affected with MAP2K1-related conditions.

Literature cited by the submitters: PubMed 17576681; PubMed 9536098.

NM_002755.4(MAP2K1):c.896-3T>C

Gene: MAP2K1 (mitogen-activated protein kinase kinase 1; plus strand). Cytogenetic location: 15q22.31.
Variant type: single nucleotide variant.
Coding change: c.896-3T>C on transcript NM_002755.4 (MANE Select); 3 bases into the intron before coding-DNA position 896, T replaced by C.
Molecular consequence: intron variant.
Genome position (GRCh38, 1-based): chr15:66,487,225, T>C. VCF-style: chr15-66487225-T-C. GRCh37 (hg19) VCF-style: chr15-66779563-T-C.
Identifiers: ClinVar variation 1364097 (VCV001364097.6), dbSNP rs2140678872, ClinGen allele CA2573151056.